The following is an entry in ClinVar:

NM_006947.4(SRP72):c.9C>T (p.Ser3=)

Genes: SRP72 (signal recognition particle 72; plus strand), LOC129992625 (ATAC-STARR-seq lymphoblastoid active region 21580; plus strand). Cytogenetic location: 4q12.
Variant type: single nucleotide variant.
Coding change: c.9C>T on transcript NM_006947.4 (MANE Select); coding-DNA position 9, C replaced by T.
Protein change: p.Ser3=; no amino-acid change (serine 3 retained).
Molecular consequence: synonymous variant. On other transcripts: non-coding transcript variant (1).
Genome position (GRCh38, 1-based): chr4:56,467,644, C>T. VCF-style: chr4-56467644-C-T. GRCh37 (hg19) VCF-style: chr4-57333810-C-T.
Other names: c.9C>T, p.Ser3= (NM_001267722.2).
Identifiers: ClinVar variation 3050359 (VCV003050359.4), dbSNP rs529395062, ClinGen allele CA97581135.

ClinVar aggregate classification (germline): Likely benign. Review status: criteria provided, multiple submitters, no conflicts (2 of 4 stars). 3 submissions from 3 submitters: Likely benign (2). 1 of the submissions does not count toward it. Last evaluated 2025-03-17.

Conditions:
SRP72-related disorder. Also called: SRP72-related condition.

Allele frequency attached by ClinVar (database versions not stated): gnomAD 0.00001; 1000 Genomes Project 0.00040; 1000 Genomes Project 30x 0.00062.

Submissions (3):

Ambry Genetics
Classification: Likely benign. Last evaluated: 2025-03-17. Review status: criteria provided, single submitter. Criteria: Ambry Variant Classification Scheme 2023. Collection method: clinical testing. Allele origin: germline.

Blueprint Genetics
Classification: Likely benign. Last evaluated: 2021-11-24. Review status: criteria provided, single submitter. Criteria: ACMG Guidelines, 2015. Collection method: clinical testing. Allele origin: germline.

PreventionGenetics, part of Exact Sciences
Classification: Likely benign for SRP72-related condition. Last evaluated: 2022-07-14. Review status: no assertion criteria provided. Collection method: clinical testing. Allele origin: germline. Not counted in ClinVar's aggregate classification.
Comment: This variant is classified as likely benign based on ACMG/AMP sequence variant interpretation guidelines (Richards et al. 2015 PMID: 25741868, with internal and published modifications).